The following continues an entry in ClinVar:

NM_000059.4(BRCA2):c.4936_4939del (p.Glu1646fs)

Gene: BRCA2. ClinVar aggregate classification (germline): Pathogenic. Pathogenic (1).

Submissions 20 to 29 of 29:

Eurofins Ntd Llc (ga)
Classification: Pathogenic. Last evaluated: 2017-06-02. Review status: criteria provided, single submitter. Criteria: EGL Classification Definitions 2015. Collection method: clinical testing. Allele origin: germline. Observed: 2 variant alleles, 2 heterozygotes. Not counted in ClinVar's aggregate classification.

Department of Medical Genetics, Oslo University Hospital
Classification: Pathogenic for Breast-ovarian cancer, familial, susceptibility to, 2. Last evaluated: 2016-09-23. Review status: criteria provided, single submitter. Criteria: ACMG Guidelines, 2015. Collection method: clinical testing. Allele origin: germline. Affected: yes. Observed: 8 variant alleles. Not counted in ClinVar's aggregate classification.

Laboratory for Molecular Medicine, Mass General Brigham Personalized Medicine
Classification: Pathogenic for Hereditary breast ovarian cancer syndrome. Last evaluated: 2016-08-15. Review status: criteria provided, single submitter. Criteria: LMM Criteria. Collection method: clinical testing. Allele origin: germline. Inheritance: Autosomal dominant inheritance. Observed: 2 variant alleles. Not counted in ClinVar's aggregate classification.
Comment: The p.Glu1646fs variant in BRCA2 has been reported as heterozygous in >20 indivi duals with BRCA2-associated cancers and as compound heterozygous in 2 siblings w ith Fanconi anemia (H?berg-Vetti 2016, Jimenez 2013, Stegel 2011, Wagner 2004, B reast Cancer Information Core (BIC) database). It was absent from large populati on studies, though the ability of these studies to accurately detect indels may be limited. This variant is predicted to cause a frameshift, which alters the pr otein?s amino acid sequence beginning at position 1646 and leads to a premature termination codon 23 amino acids downstream. This alteration is then predicted t o lead to a truncated or absent protein. Heterozygous loss of function of the BR CA2 gene is an established disease mechanism in individuals with hereditary brea st and ovarian cancer (HBOC). In addition, this variant was classified as Pathog enic on September 8, 2016 by the ClinGen-approved ENIGMA expert panel (ClinVar S CV000300803.2). In summary, this variant meets our criteria to be classified as pathogenic for HBOC in an autosomal dominant manner .

Consortium of Investigators of Modifiers of BRCA1/2 (CIMBA), c/o University of Cambridge
Classification: Pathogenic for Breast-ovarian cancer, familial, susceptibility to, 2. Last evaluated: 2015-10-02. Review status: criteria provided, single submitter. Criteria: CIMBA Mutation Classification guidelines May 2016. Collection method: clinical testing. Allele origin: germline. Not counted in ClinVar's aggregate classification.

True Health Diagnostics
Classification: Pathogenic for Hereditary cancer-predisposing syndrome. Last evaluated: 2017-09-11. Review status: no assertion criteria provided. Collection method: clinical testing. Allele origin: germline. Not counted in ClinVar's aggregate classification.

Mayo Clinic Laboratories, Mayo Clinic
Classification: Pathogenic. Last evaluated: 2017-01-31. Review status: no assertion criteria provided. Collection method: clinical testing. Allele origin: unknown. Not counted in ClinVar's aggregate classification.

Counsyl
Classification: Pathogenic for Breast-ovarian cancer, familial, susceptibility to, 2. Last evaluated: 2015-11-23. Review status: no assertion criteria provided. Collection method: clinical testing. Allele origin: unknown. Not counted in ClinVar's aggregate classification.

Research Molecular Genetics Laboratory, Women's College Hospital, University of Toronto
Classification: Pathogenic for Hereditary breast ovarian cancer syndrome. Last evaluated: 2014-01-31. Review status: no assertion criteria provided. Collection method: research. Allele origin: germline. Affected: yes. Study: The Canadian Open Genetics Repository (COGR). Not counted in ClinVar's aggregate classification.

Sharing Clinical Reports Project (SCRP)
Classification: Pathogenic for Breast-ovarian cancer, familial 2. Last evaluated: 2012-12-17. Review status: no assertion criteria provided. Collection method: clinical testing. Allele origin: germline. Not counted in ClinVar's aggregate classification.

Breast Cancer Information Core (BIC) (BRCA2)
Classification: Pathogenic for Breast-ovarian cancer, familial 2. Last evaluated: 2002-05-29. Review status: no assertion criteria provided. Collection method: clinical testing. Allele origin: germline, unknown. Affected: yes. Observed: 28 variant alleles. Not counted in ClinVar's aggregate classification.

Literature cited by the submitters: PubMed 16030099 (cited by 4 submitters); PubMed 16758124 (cited by Ambry Genetics and Women's Health and Genetics/Laboratory Corporation of America, LabCorp); PubMed 17020472 (cited by 7 submitters); PubMed 20104584 (cited by 6 submitters); PubMed 20960228 (cited by 3 submitters); PubMed 21232165 (cited by 4 submitters); PubMed 21553119 (cited by 4 submitters); PubMed 22923021 (cited by 5 submitters); PubMed 23479189 (cited by 8 submitters); PubMed 26350514 (cited by 4 submitters); PubMed 27276934 (cited by Ambry Genetics); PubMed 28184943 (cited by Ambry Genetics); PubMed 28477318 (cited by Ambry Genetics); PubMed 28503720 (cited by 5 submitters); PubMed 29084914 (cited by 3 submitters); PubMed 30274973 (cited by 4 submitters); PubMed 30322717 (cited by Ambry Genetics); PubMed 30720863 (cited by Ambry Genetics and Sema4); PubMed 32427313 (cited by Ambry Genetics); PubMed 33471991 (cited by 3 submitters); PubMed 34449592 (cited by Ambry Genetics); PubMed 15070707 (cited by 8 submitters); PubMed 26026974 (cited by 4 submitters); PubMed 29560538 (cited by Color Diagnostics, LLC DBA Color Health and All of Us Research Program, National Institutes of Health); PubMed 31853058 (cited by Color Diagnostics, LLC DBA Color Health); PubMed 34290354 (cited by Color Diagnostics, LLC DBA Color Health); PubMed 34645131 (cited by Color Diagnostics, LLC DBA Color Health and Quest Diagnostics Nichols Institute San Juan Capistrano); PubMed 34933735 (cited by Color Diagnostics, LLC DBA Color Health); PubMed 40413188 (cited by Color Diagnostics, LLC DBA Color Health); PubMed 16199546 (cited by Dasa); PubMed 17063271 (cited by Dasa); PubMed 25632310 (cited by Dasa); PubMed 26295337 (cited by Quest Diagnostics Nichols Institute San Juan Capistrano); PubMed 29446198 (cited by Sema4); PubMed 22430266 (cited by Women's Health and Genetics/Laboratory Corporation of America, LabCorp); PubMed 18783588 (cited by Women's Health and Genetics/Laboratory Corporation of America, LabCorp); PubMed 22460208 (cited by Women's Health and Genetics/Laboratory Corporation of America, LabCorp); PubMed 21918853 (cited by Women's Health and Genetics/Laboratory Corporation of America, LabCorp).